The following is an entry in ClinVar:

ClinVar aggregate classification (germline): Conflicting classifications of pathogenicity. Review status: criteria provided, conflicting classifications (1 of 4 stars). 4 submissions from 4 submitters: Uncertain significance (3); Likely benign (1). Last evaluated 2026-01-19.

Conditions:
Hereditary breast ovarian cancer syndrome. Also called: Hereditary breast and ovarian cancer syndrome (HBOC); Hereditary breast and ovarian cancer syndrome; Breast and ovarian cancer; BRCA1- and BRCA2-Associated Hereditary Breast and Ovarian Cancer; Hereditary breast and ovarian cancer; Hereditary breast and/or ovarian cancer syndrome. Identifiers: Orphanet 145, MedGen C0677776, MeSH D061325, MONDO:0003582. Disease mechanism: loss of function.
Hereditary cancer-predisposing syndrome. Also called: Neoplastic Syndromes, Hereditary; Hereditary Cancer Syndrome; Hereditary neoplastic syndrome; Tumor predisposition. Identifiers: Orphanet 140162, MedGen C0027672, MeSH D009386, MONDO:0015356.

Submissions (4):

Labcorp Genetics (formerly Invitae), Labcorp
Classification: Uncertain significance for Hereditary breast ovarian cancer syndrome. Last evaluated: 2026-01-19. Review status: criteria provided, single submitter. Criteria: Invitae Variant Classification Sherloc (09022015). Collection method: clinical testing. Allele origin: germline.
Comment: This sequence change replaces glutamine, which is neutral and polar, with arginine, which is basic and polar, at codon 262 of the BRCA1 protein (p.Gln262Arg). This variant is not present in population databases (gnomAD no frequency). This variant has not been reported in the literature in individuals affected with BRCA1-related conditions. ClinVar contains an entry for this variant (Variation ID: 479195). Invitae Evidence Modeling of protein sequence and biophysical properties (such as structural, functional, and spatial information, amino acid conservation, physicochemical variation, residue mobility, and thermodynamic stability) indicates that this missense variant is not expected to disrupt BRCA1 protein function with a negative predictive value of 80%. In summary, the available evidence is currently insufficient to determine the role of this variant in disease. Therefore, it has been classified as a Variant of Uncertain Significance.

Quest Diagnostics Nichols Institute San Juan Capistrano
Classification: Uncertain significance. Last evaluated: 2023-08-30. Review status: criteria provided, single submitter. Criteria: Quest Diagnostics criteria. Collection method: clinical testing. Allele origin: unknown.
Comment: In the published literature, this variant has been reported to be located in a region of the BRCA1 gene that is tolerant to missense sequence changes (PMID: 31911673 (2020)). This variant has not been reported in large, multi-ethnic general populations (Genome Aggregation Database). Analysis of this variant using bioinformatics tools for the prediction of the effect of amino acid changes on protein structure and function yielded predictions that this variant is benign. Based on the available information, we are unable to determine the clinical significance of this variant.

University of Washington Department of Laboratory Medicine, University of Washington
Classification: Likely benign for Hereditary cancer-predisposing syndrome. Last evaluated: 2023-03-23. Review status: criteria provided, single submitter. Criteria: Dines et al. (Genet Med. 2020). Collection method: curation. Allele origin: germline.
Comment: Missense variant in a coldspot region where missense variants are very unlikely to be pathogenic (PMID:31911673).

BRCA1 coldspot (exon 11 using historical exon numbering). Reclassification based on statistical prior probability

Ambry Genetics
Classification: Uncertain significance for Hereditary cancer-predisposing syndrome. Last evaluated: 2019-01-22. Review status: criteria provided, single submitter. Criteria: Ambry Variant Classification Scheme 2023. Collection method: clinical testing. Allele origin: germline.
Comment: The p.Q262R variant (also known as c.785A>G), located in coding exon 9 of the BRCA1 gene, results from an A to G substitution at nucleotide position 785. The glutamine at codon 262 is replaced by arginine, an amino acid with highly similar properties. This amino acid position is not well conserved in available vertebrate species. In addition, the in silico prediction for this alteration is inconclusive. Since supporting evidence is limited at this time, the clinical significance of this alteration remains unclear.

Literature cited by the submitters: PubMed 31911673 (cited by Quest Diagnostics Nichols Institute San Juan Capistrano).

NM_007294.4(BRCA1):c.785A>G (p.Gln262Arg)

Gene: BRCA1 (BRCA1 DNA repair associated; minus strand). Cytogenetic location: 17q21.31.
Variant type: single nucleotide variant.
Coding change: c.785A>G on transcript NM_007294.4 (MANE Select); coding-DNA position 785, A replaced by G.
Protein change: p.Gln262Arg; replaces glutamine 262 with arginine.
Molecular consequence: missense variant. On other transcripts: non-coding transcript variant (1).
Genome position (GRCh38, 1-based): chr17:43,094,746, T>C on the plus strand (A>G on the coding strand, the complement: BRCA1 is on the minus strand). VCF-style: chr17-43094746-T-C. GRCh37 (hg19) VCF-style: chr17-41246763-T-C.
Other names: c.662A>G, p.Gln221Arg (NM_001408438.1, NM_001408439.1, NM_001408440.1 and 34 more transcripts); c.641A>G, p.Gln214Arg (NM_001407742.1, NM_001407743.1, NM_001407744.1 and 26 more transcripts); c.644A>G, p.Gln215Arg (NM_001407750.1, NM_001407751.1, NM_001407752.1 and 43 more transcripts); c.572A>G, p.Gln191Arg (NM_001407853.1, NM_001407894.1, NM_001407895.1 and 12 more transcripts); c.785A>G, p.Gln262Arg (NM_001407854.1, NM_001407858.1, NM_001407859.1 and 54 more transcripts); c.782A>G, p.Gln261Arg (NM_001407860.1, NM_001407861.1, NM_001407972.1 and 38 more transcripts); c.584A>G, p.Gln195Arg (NM_001407862.1, NM_001408474.1, NM_001408476.1); c.581A>G, p.Gln194Arg (NM_001407874.1, NM_001407875.1, NM_001408475.1); and 14 more; short protein forms Q262R, Q215R, Q135R, Q151R, Q192R, Q194R, Q261R, Q134R.
Identifiers: ClinVar variation 479195 (VCV000479195.10), dbSNP rs1555593115, ClinGen allele CA10600508.